The following is an entry in ClinVar:

ClinVar aggregate classification (germline): Uncertain significance (1 of 4 stars; one submission).

gnomAD v4.1: 4 of 1,555,592 alleles (0.00026%); highest among the groups gnomAD compares: Admixed American, 0.0019%; no homozygotes.

Submission:

Labcorp Genetics (formerly Invitae), Labcorp
Classification: Uncertain significance. Last evaluated: 2024-10-16. Review status: criteria provided, single submitter. Criteria: Invitae Variant Classification Sherloc (09022015). Collection method: clinical testing. Allele origin: germline.
Comment: This sequence change replaces arginine, which is basic and polar, with cysteine, which is neutral and slightly polar, at codon 347 of the ARHGEF10 protein (p.Arg347Cys). The frequency data for this variant in the population databases is considered unreliable, as metrics indicate poor data quality at this position in the gnomAD database. This variant has not been reported in the literature in individuals affected with ARHGEF10-related conditions. An algorithm developed to predict the effect of missense changes on protein structure and function (PolyPhen-2) suggests that this variant is likely to be disruptive. In summary, the available evidence is currently insufficient to determine the role of this variant in disease. Therefore, it has been classified as a Variant of Uncertain Significance.

NM_014629.4(ARHGEF10):c.1039C>T (p.Arg347Cys)

Gene: ARHGEF10 (Rho guanine nucleotide exchange factor 10; plus strand). Cytogenetic location: 8p23.3.
Variant type: single nucleotide variant.
Coding change: c.1039C>T on transcript NM_014629.4 (MANE Select); coding-DNA position 1039, C replaced by T.
Protein change: p.Arg347Cys; replaces arginine 347 with cysteine.
Molecular consequence: missense variant.
Genome position (GRCh38, 1-based): chr8:1,882,713, C>T. VCF-style: chr8-1882713-C-T. GRCh37 (hg19) VCF-style: chr8-1830879-C-T.
Other names: c.925C>T, p.Arg309Cys (NM_001308152.2); c.1042C>T, p.Arg348Cys (NM_001308153.3); short protein forms R309C, R347C, R372C, R348C.
Identifiers: ClinVar variation 3620999 (VCV003620999.2).